The following is an entry in ClinVar:

ClinVar aggregate classification (germline): Pathogenic/Likely pathogenic. Review status: criteria provided, multiple submitters, no conflicts (2 of 4 stars). 3 submissions from 3 submitters: Pathogenic (1); Likely pathogenic (2). Last evaluated 2026-08-27.

Conditions:
Retinitis pigmentosa 74 (RP74). Identifiers: Orphanet 791, MedGen C4225281, MONDO:0014692, OMIM 616562.
Bardet-Biedl syndrome 2 (BBS2). Identifiers: Orphanet 110, MedGen C2936863, MONDO:0014432, OMIM 615981.
BBS2-related disorder. Also called: BBS2-related condition; BBS2-related disorders. Identifiers: MedGen CN239228.
Bardet-Biedl syndrome (BBS). Identifiers: Orphanet 110, MedGen C0752166, MONDO:0015229.

Allele frequency attached by ClinVar (database versions not stated): gnomAD exomes below 0.00001; ExAC 0.00001.

Submissions (3):

PreventionGenetics, part of Exact Sciences
Classification: Likely pathogenic for BBS2-related condition. Last evaluated: 2026-08-27. Review status: criteria provided, single submitter. Criteria: ACMG Guidelines, 2015. Collection method: clinical testing. Allele origin: germline.
Comment: The BBS2 c.774delT variant is predicted to result in a frameshift and premature protein termination (p.Asn258Lysfs*3). This variant has not been reported in the literature. This variant is reported in 0.00088% of alleles in individuals of European (Non-Finnish) descent in gnomAD. Frameshift variants in BBS2 are expected to be pathogenic. This variant is interpreted as likely pathogenic.

Labcorp Genetics (formerly Invitae), Labcorp
Classification: Pathogenic for Bardet-Biedl syndrome. Last evaluated: 2025-07-21. Review status: criteria provided, single submitter. Criteria: Invitae Variant Classification Sherloc (09022015). Collection method: clinical testing. Allele origin: germline.
Comment: This sequence change creates a premature translational stop signal (p.Asn258Lysfs*3) in the BBS2 gene. It is expected to result in an absent or disrupted protein product. Loss-of-function variants in BBS2 are known to be pathogenic (PMID: 11285252, 20177705, 24608809, 26518167). This variant is present in population databases (rs777218224, gnomAD 0.0009%). This variant has not been reported in the literature in individuals affected with BBS2-related conditions. ClinVar contains an entry for this variant (Variation ID: 854709). For these reasons, this variant has been classified as Pathogenic.

Fulgent Genetics
Classification: Likely pathogenic for Bardet-Biedl syndrome 2; Retinitis pigmentosa 74. Last evaluated: 2024-03-04. Review status: criteria provided, single submitter. Criteria: ACMG Guidelines, 2015. Collection method: clinical testing. Allele origin: germline.

Literature cited by the submitters: PubMed 11285252 (cited by Labcorp Genetics (formerly Invitae), Labcorp); PubMed 20177705 (cited by Labcorp Genetics (formerly Invitae), Labcorp); PubMed 24608809 (cited by Labcorp Genetics (formerly Invitae), Labcorp); PubMed 26518167 (cited by Labcorp Genetics (formerly Invitae), Labcorp).

NM_031885.5(BBS2):c.774del (p.Asn258fs)

Gene: BBS2 (Bardet-Biedl syndrome 2; minus strand). Cytogenetic location: 16q13.
Variant type: Deletion.
Coding change: c.774del on transcript NM_031885.5 (MANE Select); coding-DNA position 774, one base deleted (T; older notation c.774delT).
Protein change: p.Asn258fs; shifts the reading frame from asparagine 258.
Molecular consequence: frameshift variant. On other transcripts: non-coding transcript variant (5).
Genome position (GRCh38, 1-based): chr16:56,505,980, A deleted on the plus strand (T on the coding strand, the reverse complement: BBS2 is on the minus strand). VCF-style (leftmost placement, unchanged base first): chr16-56505979-CA-C. GRCh37 (hg19) VCF-style: chr16-56539891-CA-C.
Other names: c.774del, p.Asn258fs (NM_001377456.1); c.774delT (NM_031885.3); short protein forms N258fs.
Identifiers: ClinVar variation 854709 (VCV000854709.10), dbSNP rs777218224, ClinGen allele CA8065933.